The following is an entry in ClinVar:

NM_000256.3(MYBPC3):c.492C>T (p.Gly164=)

Gene: MYBPC3 (myosin binding protein C3; minus strand). Cytogenetic location: 11p11.2.
Variant type: single nucleotide variant.
Coding change: c.492C>T on transcript NM_000256.3 (MANE Select); coding-DNA position 492, C replaced by T.
Protein change: p.Gly164=; no amino-acid change (glycine 164 retained).
Molecular consequence: synonymous variant.
Genome position (GRCh38, 1-based): chr11:47,350,027, G>A on the plus strand (C>T on the coding strand, the complement: MYBPC3 is on the minus strand). VCF-style: chr11-47350027-G-A. GRCh37 (hg19) VCF-style: chr11-47371578-G-A.
Other names: p.Gly164=.
Identifiers: ClinVar variation 42760 (VCV000042760.54), dbSNP rs3218719, ClinGen allele CA015244.
Genomic context (GRCh38, chr11:47,350,027, plus strand): 5'-TGCCCCCCCTTCCCACCCCAATGCTGGGCACAGCAGCTCACACTCACCCACGGTCACCTC[G>A]CCATCCTGTGGCCGCATCACGAAGAGGCCAATGGGGTCATCGGGGGCTCCAGGGGTAGGA-3'
Protein context (NP_000247.2, residues 154-174): IGLFVMRPQD[Gly164=]EVTVGGSITF

ClinVar aggregate classification (germline): Benign/Likely benign. Review status: criteria provided, multiple submitters, no conflicts (2 of 4 stars). 20 submissions from 19 submitters: Benign (13); Likely benign (3). 4 of the submissions do not count toward it. Last evaluated 2026-02-04.

Conditions:
Left ventricular noncompaction 10 (LVNC10). Identifiers: Orphanet 154, Orphanet 54260, MedGen C3715165, MONDO:0014163, OMIM 615396.
Cardiovascular phenotype. Identifiers: MedGen CN230736.
Cardiomyopathy (CMYO). Also called: Cardiomyopathies. Identifiers: Orphanet 167848, MedGen C0878544, MONDO:0004994, HP:0001638. Inheritance: Various modes of inheritance.
Hypertrophic cardiomyopathy 4. Also called: Familial hypertrophic cardiomyopathy 4. Identifiers: MedGen C1861862, MONDO:0007268, OMIM 115197.
Hypertrophic cardiomyopathy. Also called: HYPERTROPHIC MYOCARDIOPATHY. Identifiers: Orphanet 217569, MedGen C0007194, MeSH D002312, MONDO:0005045, HP:0001639.

Allele frequency attached by ClinVar (database versions not stated): 1000 Genomes Project 0.00839; 1000 Genomes Project 30x 0.00921; TOPMed 0.01963; gnomAD exomes 0.02067 and 0.03020; gnomAD 0.02112 and 0.02170; ESP Exome Variant Server 0.02240; ExAC 0.02879.
gnomAD v4.1: 45,646 of 1,561,180 alleles (2.9%); highest among the groups gnomAD compares: Non-Finnish European, 3.5%; 778 homozygotes.

Submissions (21):

Labcorp Genetics (formerly Invitae), Labcorp
Classification: Benign for Hypertrophic cardiomyopathy. Last evaluated: 2026-02-04. Review status: criteria provided, single submitter. Criteria: Invitae Variant Classification Sherloc (09022015). Collection method: clinical testing. Allele origin: germline.

ARUP Laboratories, Molecular Genetics and Genomics, ARUP Laboratories
Classification: Benign. Last evaluated: 2025-05-29. Review status: criteria provided, single submitter. Criteria: ARUP Molecular Germline Variant Investigation Process 2024. Collection method: clinical testing. Allele origin: germline.

Molecular Diagnostic Laboratory for Inherited Cardiovascular Disease, Montreal Heart Institute
Classification: Benign. Last evaluated: 2025-04-08. Review status: criteria provided, single submitter. Criteria: ACMG Guidelines, 2015. Collection method: clinical testing. Allele origin: germline. Affected: no.

Blueprint Genetics
Classification: Likely benign. Last evaluated: 2024-11-27. Review status: criteria provided, single submitter. Criteria: ACMG Guidelines, 2015. Collection method: clinical testing. Allele origin: germline.

Athena Diagnostics
Classification: Benign. Last evaluated: 2024-03-11. Review status: criteria provided, single submitter. Criteria: Athena Diagnostics Criteria. Collection method: clinical testing. Allele origin: unknown.

Color Diagnostics, LLC DBA Color Health
Classification: Benign for Cardiomyopathy. Last evaluated: 2018-04-08. Review status: criteria provided, single submitter. Criteria: ACMG Guidelines, 2015. Collection method: clinical testing. Allele origin: germline.

Illumina Laboratory Services, Illumina
Classification: Likely benign for Hypertrophic cardiomyopathy 4. Last evaluated: 2018-01-13. Review status: criteria provided, single submitter. Criteria: ICSL Variant Classification Criteria 13 December 2019. Collection method: clinical testing. Allele origin: germline.
Comment: This variant was observed in the ICSL laboratory as part of a predisposition screen in an ostensibly healthy population. It had not been previously curated by ICSL or reported in the Human Gene Mutation Database (HGMD: prior to June 1st, 2018), and was therefore a candidate for classification through an automated scoring system. Utilizing variant allele frequency, disease prevalence and penetrance estimates, and inheritance mode, an automated score was calculated to assess if this variant is too frequent to cause the disease. Based on the score and internal cut-off values, a variant classified as likely benign is not then subjected to further curation. The score for this variant resulted in a classification of likely benign for this disease.

Illumina Laboratory Services, Illumina
Classification: Benign for Left ventricular noncompaction 10. Last evaluated: 2018-01-13. Review status: criteria provided, single submitter. Criteria: ICSL Variant Classification Criteria 13 December 2019. Collection method: clinical testing. Allele origin: germline.
Comment: This variant was observed in the ICSL laboratory as part of a predisposition screen in an ostensibly healthy population. It had not been previously curated by ICSL or reported in the Human Gene Mutation Database (HGMD: prior to June 1st, 2018), and was therefore a candidate for classification through an automated scoring system. Utilizing variant allele frequency, disease prevalence and penetrance estimates, and inheritance mode, an automated score was calculated to assess if this variant is too frequent to cause the disease. Based on the score and internal cut-off values, a variant classified as benign is not then subjected to further curation. The score for this variant resulted in a classification of benign for this disease.

Clinical Genetics DNA and cytogenetics Diagnostics Lab, Erasmus MC, Erasmus Medical Center
Classification: Benign for Hypertrophic cardiomyopathy 4. Last evaluated: 2015-09-21. Review status: criteria provided, single submitter. Criteria: ACGS Guidelines, 2013. Collection method: clinical testing. Allele origin: germline. Affected: yes. Study: VKGL Data-share Consensus.

Ambry Genetics
Classification: Benign for Cardiovascular phenotype. Last evaluated: 2015-06-15. Review status: criteria provided, single submitter. Criteria: Ambry Variant Classification Scheme 2023. Collection method: clinical testing. Allele origin: germline.

GeneDx
Classification: Benign. Last evaluated: 2015-03-03. Review status: criteria provided, single submitter. Criteria: GeneDx Variant Classification Process June 2021. Collection method: clinical testing. Allele origin: germline. Affected: yes.

Genome Diagnostics Laboratory, University Medical Center Utrecht
Classification: Benign for Hypertrophic cardiomyopathy 4. Last evaluated: 2014-10-10. Review status: criteria provided, single submitter. Criteria: ACGS Guidelines, 2013. Collection method: clinical testing. Allele origin: germline. Affected: yes. Study: VKGL Data-share Consensus.

Mayo Clinic Laboratories, Mayo Clinic
Classification: Benign. Last evaluated: 2014-05-08. Review status: criteria provided, single submitter. Criteria: ACMG Guidelines, 2015. Collection method: clinical testing. Allele origin: germline. Observed: 67 variant alleles.

Laboratory for Molecular Medicine, Mass General Brigham Personalized Medicine
Classification: Benign. Last evaluated: 2008-01-18. Review status: criteria provided, single submitter. Criteria: LMM Criteria. Collection method: clinical testing. Allele origin: germline. Observed: 280 variant alleles.

Breakthrough Genomics
Classification: Likely benign. Review status: criteria provided, single submitter. Criteria: ACMG Guidelines, 2015. Collection method: not provided. Allele origin: germline. Inheritance: Autosomal dominant inheritance. Affected: yes.

PreventionGenetics, part of Exact Sciences
Classification: Benign. Review status: criteria provided, single submitter. Criteria: ACMG Guidelines, 2015. Collection method: clinical testing. Allele origin: germline.

Cohesion Phenomics
Classification: Benign for Hypertrophic cardiomyopathy. Last evaluated: 2022-10-10. Review status: no assertion criteria provided. Criteria: ACMG Guidelines, 2015. Collection method: clinical testing. Allele origin: germline. Affected: yes. Not counted in ClinVar's aggregate classification.

Clinical Genetics, Academic Medical Center
Classification: Benign. Review status: no assertion criteria provided. Collection method: clinical testing. Allele origin: germline. Affected: yes. Study: VKGL Data-share Consensus. Not counted in ClinVar's aggregate classification.

Diagnostic Laboratory, Department of Genetics, University Medical Center Groningen
Classification: Benign for Hypertrophic cardiomyopathy 4. Review status: no assertion criteria provided. Collection method: clinical testing. Allele origin: germline. Affected: yes. Study: VKGL Data-share Consensus. Not counted in ClinVar's aggregate classification.

Dr. Peter K. Rogan Lab, Western University
No classification provided (evidence only). Condition: Malignant tumor of esophagus. Review status: no classification provided. Collection method: in vitro. Allele origin: not applicable. Functional consequence: retained intron. Not counted in ClinVar's aggregate classification.

Joint Genome Diagnostic Labs from Nijmegen and Maastricht, Radboudumc and MUMC+
Classification: Benign. Review status: no assertion criteria provided. Collection method: clinical testing. Allele origin: germline. Affected: yes. Study: VKGL Data-share Consensus. Not counted in ClinVar's aggregate classification.

Literature cited by the submitters: PubMed 25740977 (cited by Athena Diagnostics); PubMed 21239446 (cited by Athena Diagnostics).